The following is an entry in ClinVar:

ClinVar aggregate classification (germline): Uncertain significance (1 of 4 stars; one submission).

Conditions:
MHC class I deficiency. Identifiers: Orphanet 34592, MedGen C6024714, MONDO:0011476.

Allele frequency attached by ClinVar (database versions not stated): TOPMed 0.00001; gnomAD exomes below 0.00001 and 0.00001; ExAC 0.00001.
gnomAD v4.1: 10 of 1,613,114 alleles (0.00062%); highest among the groups gnomAD compares: South Asian, 0.0011%; no homozygotes.

Submission:

Labcorp Genetics (formerly Invitae), Labcorp
Classification: Uncertain significance for MHC class I deficiency 1. Last evaluated: 2023-12-11. Review status: criteria provided, single submitter. Criteria: Invitae Variant Classification Sherloc (09022015). Collection method: clinical testing. Allele origin: germline.
Comment: This sequence change replaces alanine, which is neutral and non-polar, with threonine, which is neutral and polar, at codon 585 of the TAP2 protein (p.Ala585Thr). This variant is present in population databases (rs753393321, gnomAD 0.003%). This variant has not been reported in the literature in individuals affected with TAP2-related conditions. ClinVar contains an entry for this variant (Variation ID: 1388108). Experimental studies and prediction algorithms are not available or were not evaluated, and the functional significance of this variant is currently unknown. In summary, the available evidence is currently insufficient to determine the role of this variant in disease. Therefore, it has been classified as a Variant of Uncertain Significance.

NM_001290043.2(TAP2):c.1753G>A (p.Ala585Thr)

Gene: TAP2 (transporter 2, ATP binding cassette subfamily B member; minus strand). Cytogenetic location: 6p21.32.
Variant type: single nucleotide variant.
Coding change: c.1753G>A on transcript NM_001290043.2 (MANE Select); coding-DNA position 1753, G replaced by A.
Protein change: p.Ala585Thr; replaces alanine 585 with threonine.
Molecular consequence: missense variant.
Genome position (GRCh38, 1-based): chr6:32,829,972, C>T on the plus strand (G>A on the coding strand, the complement: TAP2 is on the minus strand). VCF-style: chr6-32829972-C-T. GRCh37 (hg19) VCF-style: chr6-32797749-C-T.
Other names: c.1753G>A, p.Ala585Thr (NM_000544.3, NM_018833.3); short protein forms A585T.
Identifiers: ClinVar variation 1388108 (VCV001388108.6), dbSNP rs753393321, ClinGen allele CA3745810.